The following is an entry in ClinVar:

ClinVar aggregate classification (germline): Pathogenic/Likely pathogenic. Review status: criteria provided, multiple submitters, no conflicts (2 of 4 stars). 3 submissions from 3 submitters: Pathogenic (1); Likely pathogenic (2). Last evaluated 2025-03-24.

Conditions:
MPO-related disorder. Also called: MPO-related condition.
Myeloperoxidase deficiency (MPOD). Also called: Myeloperoxidase deficiency syndrome; MPO DEFICIENCY. Identifiers: Orphanet 2587, MedGen C0398595, MONDO:0009694, OMIM 254600.

gnomAD v4.1: 42 of 1,614,064 alleles (0.0026%); highest among the groups gnomAD compares: East Asian, 0.058%; no homozygotes.

Submissions (3):

First Genomix Gene Laboratory, Genetic Diagnostics Department
Classification: Likely pathogenic for Myeloperoxidase deficiency. Last evaluated: 2025-03-24. Review status: criteria provided, single submitter. Criteria: ACMG Guidelines, 2015. Collection method: clinical testing. Allele origin: germline. Inheritance: Autosomal recessive inheritance. Affected: no. Observed: 1 variant allele.

Blueprint Genetics
Classification: Likely pathogenic for MPO-related disorders. Last evaluated: 2024-06-06. Review status: criteria provided, single submitter. Criteria: ACMG Guidelines, 2015. Collection method: clinical testing. Allele origin: germline. Affected: yes. Observed: 5 variant alleles.

Juno Genomics, Hangzhou Juno Genomics, Inc
Classification: Pathogenic for Myeloperoxidase deficiency. Review status: criteria provided, single submitter. Criteria: ACMG Guidelines, 2015. Collection method: clinical testing. Allele origin: germline.
Comment: Null variant in a gene where loss of function (LOF) is a known mechanism of disease.;For recessive disorders, detected in trans with a pathogenic variant.;Patient's phenotype or family history is highly specific for a disease with a single genetic etiology.

NM_000250.2(MPO):c.1805G>A (p.Trp602Ter)

Gene: MPO (myeloperoxidase; minus strand). Cytogenetic location: 17q22.
Variant type: single nucleotide variant.
Coding change: c.1805G>A on transcript NM_000250.2 (MANE Select); coding-DNA position 1805, G replaced by A.
Protein change: p.Trp602Ter; replaces tryptophan 602 with a stop codon.
Molecular consequence: nonsense.
Genome position (GRCh38, 1-based): chr17:58,271,880, C>T on the plus strand (G>A on the coding strand, the complement: MPO is on the minus strand). VCF-style: chr17-58271880-C-T. GRCh37 (hg19) VCF-style: chr17-56349241-C-T.
Other names: short protein forms W602*.
Identifiers: ClinVar variation 4845803 (VCV004845803.4).